The following is an entry in ClinVar:

NM_000051.4(ATM):c.5504C>G (p.Thr1835Ser)

Gene: ATM (ATM serine/threonine kinase; plus strand). Cytogenetic location: 11q22.3.
Variant type: single nucleotide variant.
Coding change: c.5504C>G on transcript NM_000051.4 (MANE Select); coding-DNA position 5504, C replaced by G.
Protein change: p.Thr1835Ser; replaces threonine 1835 with serine.
Molecular consequence: missense variant.
Genome position (GRCh38, 1-based): chr11:108,304,682, C>G. VCF-style: chr11-108304682-C-G. GRCh37 (hg19) VCF-style: chr11-108175409-C-G.
Other names: c.5504C>G, p.Thr1835Ser (NM_001351834.2); short protein forms T1835S.
Identifiers: ClinVar variation 1444147 (VCV001444147.8), dbSNP rs2135942516, ClinGen allele CA382545682.

ClinVar aggregate classification (germline): Uncertain significance (1 of 4 stars; one submission).

Conditions:
Ataxia-telangiectasia syndrome (AT). Also called: Ataxia-telangiectasia; LOUIS-BAR SYNDROME; AT, COMPLEMENTATION GROUP C; Ataxia-telangiectasia, complementation group E; Ataxia telangiectasia (A-T); Cerebello-oculocutaneous telangiectasia. Identifiers: Orphanet 100, MedGen C0004135, MONDO:0008840, OMIM 208900.

Submission:

Labcorp Genetics (formerly Invitae), Labcorp
Classification: Uncertain significance for Ataxia-telangiectasia syndrome. Last evaluated: 2025-06-19. Review status: criteria provided, single submitter. Criteria: Invitae Variant Classification Sherloc (09022015). Collection method: clinical testing. Allele origin: germline.
Comment: This sequence change replaces threonine, which is neutral and polar, with serine, which is neutral and polar, at codon 1835 of the ATM protein (p.Thr1835Ser). This variant is not present in population databases (gnomAD no frequency). This variant has not been reported in the literature in individuals affected with ATM-related conditions. ClinVar contains an entry for this variant (Variation ID: 1444147). Invitae Evidence Modeling of protein sequence and biophysical properties (such as structural, functional, and spatial information, amino acid conservation, physicochemical variation, residue mobility, and thermodynamic stability) indicates that this missense variant is not expected to disrupt ATM protein function with a negative predictive value of 95%. In summary, the available evidence is currently insufficient to determine the role of this variant in disease. Therefore, it has been classified as a Variant of Uncertain Significance.